The following is an entry in ClinVar:

ClinVar aggregate classification (germline): Uncertain significance (0 of 4 stars; one submission).

Conditions:
GNAS-related disorder. Identifiers: MedGen CN380105.

gnomAD v4.1: 11 of 1,571,648 alleles (0.0007%); highest among the groups gnomAD compares: African/African-American, 0.0014%; no homozygotes.

Submission:

PreventionGenetics, part of Exact Sciences
Classification: Uncertain significance for GNAS-related condition. Last evaluated: 2024-03-04. Review status: no assertion criteria provided. Collection method: clinical testing. Allele origin: germline.
Comment: The GNAS c.1163C>G variant is predicted to result in the amino acid substitution p.Ala388Gly. This variant is also referred to as precoding variant c.-37299C>G with the transcript NM_000516. To our knowledge, this variant has not been reported in the literature or in a large population database, indicating this variant is rare. At this time, the clinical significance of this variant is uncertain due to the absence of conclusive functional and genetic evidence.

NM_080425.4(GNAS):c.1163C>G (p.Ala388Gly)

Gene: GNAS (GNAS complex locus; plus strand). Cytogenetic location: 20q13.32.
Variant type: single nucleotide variant.
Coding change: c.1163C>G on transcript NM_080425.4 (MANE Plus Clinical); coding-DNA position 1163, C replaced by G.
Protein change: p.Ala388Gly; replaces alanine 388 with glycine.
Molecular consequence: missense variant. On other transcripts: intron variant (3).
Genome position (GRCh38, 1-based): chr20:58,854,428, C>G. VCF-style: chr20-58854428-C-G. GRCh37 (hg19) VCF-style: chr20-57429483-C-G.
Other names: c.976C>G, p.Arg326Gly (NM_001077490.3, NM_001309883.1); c.1163C>G, p.Ala388Gly (NM_001410913.1); c.*42+13542C>G (NM_016592.5); c.43+13542C>G (NM_001410912.1); c.-39+12553C>G (NM_001309861.2); short protein forms A388G, R326G.
Identifiers: ClinVar variation 3356966 (VCV003356966.1).